The following is an entry in ClinVar:

NM_000747.3(CHRNB1):c.903C>T (p.Thr301=)

Gene: CHRNB1 (cholinergic receptor nicotinic beta 1 subunit; plus strand). Cytogenetic location: 17p13.1.
Variant type: single nucleotide variant.
Coding change: c.903C>T on transcript NM_000747.3 (MANE Select); coding-DNA position 903, C replaced by T.
Protein change: p.Thr301=; no amino-acid change (threonine 301 retained).
Molecular consequence: synonymous variant.
Genome position (GRCh38, 1-based): chr17:7,454,379, C>T. VCF-style: chr17-7454379-C-T. GRCh37 (hg19) VCF-style: chr17-7357698-C-T.
Identifiers: ClinVar variation 325101 (VCV000325101.19), dbSNP rs117168441, ClinGen allele CA8347913.
Genomic context (GRCh38, chr17:7,454,379, plus strand): 5'-CTTTGCCCTGCTGACCCTTACTGTGTTCCTGCTGCTGCTGGCTGACAAAGTACCTGAGAC[C>T]TCACTATCAGTACCCATTATTATCAAGTACCTCATGTTTACCATGGTCCTCGTCACCTTC-3'
Protein context (NP_000738.2, residues 291-311): LLLLADKVPE[Thr301=]SLSVPIIIKY

ClinVar aggregate classification (germline): Conflicting classifications of pathogenicity. Review status: criteria provided, conflicting classifications (1 of 4 stars). 3 submissions from 3 submitters: Uncertain significance (1); Benign (1). 1 of the submissions does not count toward it. Last evaluated 2026-01-15.

Conditions:
CHRNB1-related disorder. Also called: CHRNB1-related condition.
Congenital myasthenic syndrome 2A. Also called: Myasthenic syndrome, congenital, 2a, slow-channel. Identifiers: Orphanet 590, MedGen C4225374, MONDO:0014581, OMIM 616313.
Congenital myasthenic syndrome 4C (CMS4C). Also called: Myasthenic syndrome, congenital, associated with acetylcholine receptor deficiency. Identifiers: Orphanet 590, MedGen C1837091, MONDO:0012157, OMIM 608931.

Allele frequency attached by ClinVar (database versions not stated): gnomAD 0.00015 and 0.00018; TOPMed 0.00023; ExAC 0.00029; gnomAD exomes 0.00039; 1000 Genomes Project 30x 0.00062; 1000 Genomes Project 0.00080.
gnomAD v4.1: 173 of 1,614,144 alleles (0.011%); highest among the groups gnomAD compares: East Asian, 0.33%; 2 homozygotes.

Submissions (3):

Labcorp Genetics (formerly Invitae), Labcorp
Classification: Benign for Congenital myasthenic syndrome 2A. Last evaluated: 2026-01-15. Review status: criteria provided, single submitter. Criteria: Invitae Variant Classification Sherloc (09022015). Collection method: clinical testing. Allele origin: germline.

Illumina Laboratory Services, Illumina
Classification: Uncertain significance for Congenital myasthenic syndrome 4C. Last evaluated: 2018-01-12. Review status: criteria provided, single submitter. Criteria: ICSL Variant Classification Criteria 13 December 2019. Collection method: clinical testing. Allele origin: germline.

PreventionGenetics, part of Exact Sciences
Classification: Likely benign for CHRNB1-related condition. Last evaluated: 2019-08-29. Review status: no assertion criteria provided. Collection method: clinical testing. Allele origin: germline. Not counted in ClinVar's aggregate classification.
Comment: This variant is classified as likely benign based on ACMG/AMP sequence variant interpretation guidelines (Richards et al. 2015 PMID: 25741868, with internal and published modifications).